The following is an entry in ClinVar:

ClinVar aggregate classification (germline): Benign/Likely benign. Review status: criteria provided, multiple submitters, no conflicts (2 of 4 stars). 2 submissions from 2 submitters: Benign (1); Likely benign (1). Last evaluated 2026-07-01.

Allele frequency attached by ClinVar (database versions not stated): 1000 Genomes Project 30x 0.00359; 1000 Genomes Project 0.00379; gnomAD 0.00133 and 0.00158; ESP Exome Variant Server 0.00215; gnomAD exomes 0.00225 and 0.00239; ExAC 0.00254.
gnomAD v4.1: 3,518 of 1,614,112 alleles (0.22%); highest among the groups gnomAD compares: South Asian, 0.91%; 17 homozygotes.

Submissions (8):

CeGaT Center for Human Genetics Tuebingen
Classification: Likely benign. Last evaluated: 2026-07-01. Review status: criteria provided, single submitter. Criteria: CeGaT Center For Human Genetics Tuebingen Variant Classification Criteria Version 2. Collection method: clinical testing. Allele origin: germline. Affected: yes. Observed: 13 variant alleles.
Comment: RUSC2: BP4, BP7, BS2

Labcorp Genetics (formerly Invitae), Labcorp
Classification: Benign. Last evaluated: 2026-01-28. Review status: criteria provided, single submitter. Criteria: Invitae Variant Classification Sherloc (09022015). Collection method: clinical testing. Allele origin: germline.

Dr. Peter K. Rogan Lab, Western University
No classification provided (evidence only). Condition: Clear cell carcinoma of kidney. Review status: no classification provided. Collection method: in vitro. Allele origin: not applicable. Functional consequence: retained intron. Not counted in ClinVar's aggregate classification.

Dr. Peter K. Rogan Lab, Western University
No classification provided (evidence only). Condition: Melanoma. Review status: no classification provided. Collection method: in vitro. Allele origin: not applicable. Functional consequence: retained intron. Not counted in ClinVar's aggregate classification.

Dr. Peter K. Rogan Lab, Western University
No classification provided (evidence only). Condition: Colon adenocarcinoma. Review status: no classification provided. Collection method: in vitro. Allele origin: not applicable. Functional consequence: retained intron. Not counted in ClinVar's aggregate classification.

Dr. Peter K. Rogan Lab, Western University
No classification provided (evidence only). Condition: Cervical cancer. Review status: no classification provided. Collection method: in vitro. Allele origin: not applicable. Functional consequence: retained intron. Not counted in ClinVar's aggregate classification.

Dr. Peter K. Rogan Lab, Western University
No classification provided (evidence only). Condition: Sarcoma. Review status: no classification provided. Collection method: in vitro. Allele origin: not applicable. Functional consequence: retained intron. Not counted in ClinVar's aggregate classification.

Dr. Peter K. Rogan Lab, Western University
No classification provided (evidence only). Condition: Sarcoma. Review status: no classification provided. Collection method: in vitro. Allele origin: not applicable. Functional consequence: retained intron. Not counted in ClinVar's aggregate classification.

NM_014806.5(RUSC2):c.4326A>T (p.Pro1442=)

Gene: RUSC2 (RUN and SH3 domain containing 2; plus strand). Cytogenetic location: 9p13.3.
Variant type: single nucleotide variant.
Coding change: c.4326A>T on transcript NM_014806.5 (MANE Select); coding-DNA position 4326, A replaced by T.
Protein change: p.Pro1442=; no amino-acid change (proline 1442 retained).
Molecular consequence: synonymous variant. On other transcripts: non-coding transcript variant (1).
Genome position (GRCh38, 1-based): chr9:35,561,074, A>T. VCF-style: chr9-35561074-A-T. GRCh37 (hg19) VCF-style: chr9-35561071-A-T.
Other names: c.4326A>T, p.Pro1442= (NM_001135999.2); c.1692A>T, p.Pro564= (NM_001330740.2).
Identifiers: ClinVar variation 1169312 (VCV001169312.34), dbSNP rs146446376, ClinGen allele CA5044353.